The following is an entry in ClinVar:

NM_025137.4(SPG11):c.6851G>A (p.Cys2284Tyr)

Gene: SPG11 (SPG11 vesicle trafficking associated, spatacsin; minus strand). Cytogenetic location: 15q21.1.
Variant type: single nucleotide variant.
Coding change: c.6851G>A on transcript NM_025137.4 (MANE Select); coding-DNA position 6851, G replaced by A.
Protein change: p.Cys2284Tyr; replaces cysteine 2284 with tyrosine.
Molecular consequence: missense variant.
Genome position (GRCh38, 1-based): chr15:44,566,002, C>T on the plus strand (G>A on the coding strand, the complement: SPG11 is on the minus strand). VCF-style: chr15-44566002-C-T. GRCh37 (hg19) VCF-style: chr15-44858200-C-T.
Other names: c.6512G>A, p.Cys2171Tyr (NM_001160227.2); short protein forms C2284Y, C2171Y.
Identifiers: ClinVar variation 534888 (VCV000534888.4), dbSNP rs760841252, ClinGen allele CA7533968.

ClinVar aggregate classification (germline): Uncertain significance (1 of 4 stars; one submission).

Conditions:
Hereditary spastic paraplegia 11. Also called: Nakamura Osame syndrome; Autosomal recessive hereditary spastic paraplegia, mental impairment, and thin corpus callosum; Spastic paraplegia, mental retardation and thin corpus callosum; SPASTIC PARAPLEGIA, AUTOSOMAL RECESSIVE, COMPLICATED, WITH THIN CORPUS CALLOSUM; SPASTIC PARAPLEGIA, AUTOSOMAL RECESSIVE, WITH MENTAL IMPAIRMENT AND THIN CORPUS CALLOSUM; Spastic Paraplegia 11. Identifiers: Orphanet 2822, MedGen C1858479, MONDO:0011445, OMIM 604360.

Allele frequency attached by ClinVar (database versions not stated): TOPMed 0.00001; gnomAD exomes 0.00002; ExAC 0.00003; gnomAD 0.00003.
gnomAD v4.1: 40 of 1,613,570 alleles (0.0025%); highest among the groups gnomAD compares: Non-Finnish European, 0.0032%; no homozygotes.

Submission:

Labcorp Genetics (formerly Invitae), Labcorp
Classification: Uncertain significance for Hereditary spastic paraplegia 11. Last evaluated: 2021-09-25. Review status: criteria provided, single submitter. Criteria: Invitae Variant Classification Sherloc (09022015). Collection method: clinical testing. Allele origin: germline.
Comment: This sequence change replaces cysteine with tyrosine at codon 2284 of the SPG11 protein (p.Cys2284Tyr). The cysteine residue is highly conserved and there is a large physicochemical difference between cysteine and tyrosine. This variant is present in population databases (rs760841252, ExAC 0.006%). This variant has not been reported in the literature in individuals affected with SPG11-related conditions. Algorithms developed to predict the effect of missense changes on protein structure and function are either unavailable or do not agree on the potential impact of this missense change (SIFT: "Tolerated"; PolyPhen-2: "Probably Damaging"; Align-GVGD: "Class C0"). In summary, the available evidence is currently insufficient to determine the role of this variant in disease. Therefore, it has been classified as a Variant of Uncertain Significance.